The following is an entry in ClinVar:

NM_000548.5(TSC2):c.2029C>G (p.Pro677Ala)

Gene: TSC2 (TSC complex subunit 2; plus strand). Cytogenetic location: 16p13.3.
Variant type: single nucleotide variant.
Coding change: c.2029C>G on transcript NM_000548.5 (MANE Select); coding-DNA position 2029, C replaced by G.
Protein change: p.Pro677Ala; replaces proline 677 with alanine.
Molecular consequence: missense variant.
Genome position (GRCh38, 1-based): chr16:2,071,866, C>G. VCF-style: chr16-2071866-C-G. GRCh37 (hg19) VCF-style: chr16-2121867-C-G.
Other names: c.2029C>G (NM_000548.3); c.2029C>G, p.Pro677Ala (NM_001077183.3, NM_001114382.3, NM_001363528.2 and 3 more transcripts); c.1918C>G, p.Pro640Ala (NM_001318827.2); c.1882C>G, p.Pro628Ala (NM_001318829.2); c.1429C>G, p.Pro477Ala (NM_001318831.2); c.2062C>G, p.Pro688Ala (NM_001318832.2); short protein forms P477A, P628A, P640A, P677A, P688A.
Identifiers: ClinVar variation 1000492 (VCV001000492.9), dbSNP rs1178654694, ClinGen allele CA394274533.

ClinVar aggregate classification (germline): Uncertain significance. Review status: criteria provided, multiple submitters, no conflicts (2 of 4 stars). 2 submissions from 2 submitters: Uncertain significance (2). Last evaluated 2025-02-01.

Conditions:
Tuberous sclerosis 2 (TSC2). Identifiers: Orphanet 805, MedGen C1860707, MONDO:0013199, OMIM 613254.
Hereditary cancer-predisposing syndrome. Also called: Hereditary neoplastic syndrome; Neoplastic Syndromes, Hereditary; Tumor predisposition; Hereditary Cancer Syndrome. Identifiers: Orphanet 140162, MedGen C0027672, MeSH D009386, MONDO:0015356.

Submissions (2):

Ambry Genetics
Classification: Uncertain significance for Hereditary cancer-predisposing syndrome. Last evaluated: 2025-02-01. Review status: criteria provided, single submitter. Criteria: Ambry Variant Classification Scheme 2023. Collection method: clinical testing. Allele origin: germline.
Comment: The p.P677A variant (also known as c.2029C>G), located in coding exon 18 of the TSC2 gene, results from a C to G substitution at nucleotide position 2029. The proline at codon 677 is replaced by alanine, an amino acid with highly similar properties. This amino acid position is conserved. In addition, this alteration is predicted to be tolerated by in silico analysis. Based on the available evidence, the clinical significance of this variant remains unclear.

Labcorp Genetics (formerly Invitae), Labcorp
Classification: Uncertain significance for Tuberous sclerosis 2. Last evaluated: 2024-09-18. Review status: criteria provided, single submitter. Criteria: Invitae Variant Classification Sherloc (09022015). Collection method: clinical testing. Allele origin: germline.
Comment: This sequence change replaces proline, which is neutral and non-polar, with alanine, which is neutral and non-polar, at codon 677 of the TSC2 protein (p.Pro677Ala). This variant is not present in population databases (gnomAD no frequency). This variant has not been reported in the literature in individuals affected with TSC2-related conditions. ClinVar contains an entry for this variant (Variation ID: 1000492). Invitae Evidence Modeling of protein sequence and biophysical properties (such as structural, functional, and spatial information, amino acid conservation, physicochemical variation, residue mobility, and thermodynamic stability) indicates that this missense variant is not expected to disrupt TSC2 protein function with a negative predictive value of 95%. In summary, the available evidence is currently insufficient to determine the role of this variant in disease. Therefore, it has been classified as a Variant of Uncertain Significance.